The following is an entry in ClinVar:

NM_004260.4(RECQL4):c.2861_2877del (p.Ala954fs)

Gene: RECQL4 (RecQ like helicase 4; minus strand). Cytogenetic location: 8q24.3.
Variant type: Deletion.
Coding change: c.2861_2877del on transcript NM_004260.4 (MANE Select); coding-DNA positions 2861 to 2877, 17 bases deleted (CCCAGCTCCAGGCCCTG).
Protein change: p.Ala954fs; shifts the reading frame from alanine 954.
Molecular consequence: frameshift variant.
Genome position (GRCh38, 1-based): chr8:144,512,650-144,512,666, CAGGGCCTGGAGCTGGG deleted on the plus strand (CCCAGCTCCAGGCCCTG on the coding strand, the reverse complement: RECQL4 is on the minus strand); deleting any 17 consecutive bases within chr8:144,512,650-144,512,673 gives the same sequence; the c. name uses the placement nearest the transcript's 3' end. VCF-style (leftmost placement, unchanged base first): chr8-144512649-CCAGGGCCTGGAGCTGGG-C. GRCh37 (hg19) VCF-style: chr8-145738032-CCAGGGCCTGGAGCTGGG-C.
Other names: short protein forms A954fs.
Identifiers: ClinVar variation 1402431 (VCV001402431.6), dbSNP rs1208137808, ClinGen allele CA848892995.
Genomic context (GRCh38, chr8:144,512,649, plus strand): 5'-GCCAACAGCCCTGATTCTCCAACCTCGTCTCCAACTGGGCAGGGCGTGCTTACCTGTGGG[CCAGGGCCTGGAGCTGGG>C]CAGGGCCCCCAGGGCAGTTCAGACGGCAATGGGTATAGGTGGTCGCCAGCAGCTCCAGCC-3'

ClinVar aggregate classification (germline): Pathogenic (1 of 4 stars; one submission).

Conditions:
Baller-Gerold syndrome (BGS). Also called: CRANIOSYNOSTOSIS WITH RADIAL DEFECTS. Identifiers: Orphanet 1225, MedGen C0265308, MONDO:0009039, OMIM 218600.

Submission:

Labcorp Genetics (formerly Invitae), Labcorp
Classification: Pathogenic for Baller-Gerold syndrome. Last evaluated: 2023-09-01. Review status: criteria provided, single submitter. Criteria: Invitae Variant Classification Sherloc (09022015). Collection method: clinical testing. Allele origin: germline.
Comment: For these reasons, this variant has been classified as Pathogenic. ClinVar contains an entry for this variant (Variation ID: 1402431). This variant has not been reported in the literature in individuals affected with RECQL4-related conditions. This variant is not present in population databases (gnomAD no frequency). This sequence change creates a premature translational stop signal (p.Ala954Glyfs*17) in the RECQL4 gene. It is expected to result in an absent or disrupted protein product. Loss-of-function variants in RECQL4 are known to be pathogenic (PMID: 12734318, 12952869).

Literature cited by the submitters: PubMed 12734318; PubMed 12952869.